The following is an entry in ClinVar:

NM_000069.3(CACNA1S):c.639C>G (p.Ile213Met)

Gene: CACNA1S (calcium voltage-gated channel subunit alpha1 S; minus strand). Cytogenetic location: 1q32.1.
Variant type: single nucleotide variant.
Coding change: c.639C>G on transcript NM_000069.3 (MANE Select); coding-DNA position 639, C replaced by G.
Protein change: p.Ile213Met; replaces isoleucine 213 with methionine.
Molecular consequence: missense variant.
Genome position (GRCh38, 1-based): chr1:201,091,695, G>C on the plus strand (C>G on the coding strand, the complement: CACNA1S is on the minus strand). VCF-style: chr1-201091695-G-C. GRCh37 (hg19) VCF-style: chr1-201060823-G-C.
Other names: short protein forms I213M.
Identifiers: ClinVar variation 3069318 (VCV003069318.2), dbSNP rs1229722414, ClinGen allele CA344139759.

ClinVar aggregate classification (germline): Uncertain significance (1 of 4 stars; one submission).

Conditions:
Malignant hyperthermia, susceptibility to, 5 (MHS5). Also called: CACNA1S-Related Malignant Hyperthermia Susceptibility. Identifiers: Orphanet 423, MedGen C1866077, MONDO:0011163, OMIM 601887.

gnomAD v4.1: 1 of 1,614,096 alleles (0.000062%); highest among the groups gnomAD compares: African/African-American, 0.0013%; no homozygotes.

Submission:

All of Us Research Program, National Institutes of Health
Classification: Uncertain significance for Malignant hyperthermia, susceptibility to, 5. Last evaluated: 2024-08-06. Review status: criteria provided, single submitter. Criteria: ACMG Guidelines, 2015. Collection method: clinical testing. Allele origin: germline. Inheritance: Autosomal dominant inheritance. Observed: 2 variant alleles, 2 heterozygotes.
Comment: This missense variant replaces isoleucine with methionine at codon 213 of the CACNA1S protein. Computational prediction suggests that this variant may not impact protein structure and function (internally defined REVEL score threshold <= 0.5, PMID: 27666373). To our knowledge, functional studies have not been reported for this variant. This variant has not been reported in individuals affected with malignant hyperthermia in the literature. This variant has not been identified in the general population by the Genome Aggregation Database (gnomAD). The available evidence is insufficient to determine the role of this variant in disease conclusively. Therefore, this variant is classified as a Variant of Uncertain Significance.

This study involves interpretation of variants in research participants for the purpose of population health screening. Participant phenotype was not available at the time of variant classification. Additional details can be found in publication PMID: 35346344, PMCID: PMC8962531